The following is an entry in ClinVar:

ClinVar aggregate classification (germline): Uncertain significance (1 of 4 stars; one submission).

Submission:

Labcorp Genetics (formerly Invitae), Labcorp
Classification: Uncertain significance. Last evaluated: 2025-06-12. Review status: criteria provided, single submitter. Criteria: Invitae Variant Classification Sherloc (09022015). Collection method: clinical testing. Allele origin: germline.
Comment: This variant, c.235_252del, results in the deletion of 6 amino acid(s) of the HOXA13 protein (p.Ala79_Ala84del), but otherwise preserves the integrity of the reading frame. The frequency data for this variant in the population databases is considered unreliable, as metrics indicate insufficient coverage at this position in the gnomAD database. This variant has not been reported in the literature in individuals affected with HOXA13-related conditions. ClinVar contains an entry for this variant (Variation ID: 3019965). Experimental studies and prediction algorithms are not available or were not evaluated, and the functional significance of this variant is currently unknown. In summary, the available evidence is currently insufficient to determine the role of this variant in disease. Therefore, it has been classified as a Variant of Uncertain Significance.

NM_000522.5(HOXA13):c.235_252del (p.Ala79_Ala84del)

Genes: HOXA13 (homeobox A13; minus strand), LOC107126288 (NUP98-HOXA13 recombination region; plus strand). Cytogenetic location: 7p15.2.
Variant type: Deletion.
Coding change: c.235_252del on transcript NM_000522.5 (MANE Select); coding-DNA positions 235 to 252, 18 bases deleted (GCGGCGGCGGCCGCGGCC).
Protein change: p.Ala79_Ala84del.
Molecular consequence: inframe deletion.
Genome position (GRCh38, 1-based): chr7:27,199,826-27,199,843, GGCCGCGGCCGCCGCCGC deleted on the plus strand (GCGGCGGCGGCCGCGGCC on the coding strand, the reverse complement: HOXA13 is on the minus strand). VCF-style (leftmost placement, unchanged base first): chr7-27199825-TGGCCGCGGCCGCCGCCGC-T. GRCh37 (hg19) VCF-style: chr7-27239444-TGGCCGCGGCCGCCGCCGC-T.
Identifiers: ClinVar variation 3019965 (VCV003019965.3), dbSNP rs1784070542, ClinGen allele CA1696267676.
Genomic context (GRCh38, chr7:27,199,825, plus strand): 5'-AGGCGGACGCGGCTCCTGGCGCCAAGGGCGCCGGGTGCGCCATCAGGTTGCGGCACTGGT[TGGCCGCGGCCGCCGCCGC>T]AGCCGCGGCCGCCGCCGCCACCGAGAAGTTGCCCCCTGCCGCCGCAGCCGCCGGGTGGGG-3'